The following is an entry in ClinVar:

NM_001134363.3(RBM20):c.1728A>C (p.Glu576Asp)

Gene: RBM20 (RNA binding motif protein 20; plus strand). Cytogenetic location: 10q25.2.
Variant type: single nucleotide variant.
Coding change: c.1728A>C on transcript NM_001134363.3 (MANE Select); coding-DNA position 1728, A replaced by C.
Protein change: p.Glu576Asp; replaces glutamic acid 576 with aspartic acid.
Molecular consequence: missense variant.
Genome position (GRCh38, 1-based): chr10:110,799,846, A>C. VCF-style: chr10-110799846-A-C. GRCh37 (hg19) VCF-style: chr10-112559604-A-C.
Other names: short protein forms E576D.
Identifiers: ClinVar variation 2970282 (VCV002970282.3), dbSNP rs1844599241, ClinGen allele CA378390758.

ClinVar aggregate classification (germline): Uncertain significance (1 of 4 stars; one submission).

Conditions:
Dilated cardiomyopathy 1DD (CMD1DD). Identifiers: Orphanet 154, MedGen C2750995, MONDO:0013168, OMIM 613172.

Allele frequency attached by ClinVar (database versions not stated): gnomAD exomes below 0.00001.
gnomAD v4.1: 3 of 1,552,024 alleles (0.00019%); highest among the groups gnomAD compares: Non-Finnish European, 0.00026%; no homozygotes.

Submission:

Labcorp Genetics (formerly Invitae), Labcorp
Classification: Uncertain significance for Dilated cardiomyopathy 1DD. Last evaluated: 2025-06-08. Review status: criteria provided, single submitter. Criteria: Invitae Variant Classification Sherloc (09022015). Collection method: clinical testing. Allele origin: germline.
Comment: This sequence change replaces glutamic acid, which is acidic and polar, with aspartic acid, which is acidic and polar, at codon 576 of the RBM20 protein (p.Glu576Asp). This variant is not present in population databases (gnomAD no frequency). This variant has not been reported in the literature in individuals affected with RBM20-related conditions. ClinVar contains an entry for this variant (Variation ID: 2970282). Invitae Evidence Modeling of protein sequence and biophysical properties (such as structural, functional, and spatial information, amino acid conservation, physicochemical variation, residue mobility, and thermodynamic stability) indicates that this missense variant is not expected to disrupt RBM20 protein function with a negative predictive value of 95%. In summary, the available evidence is currently insufficient to determine the role of this variant in disease. Therefore, it has been classified as a Variant of Uncertain Significance.